The following is an entry in ClinVar:

ClinVar aggregate classification (germline): Uncertain significance (1 of 4 stars; one submission).

Conditions:
Dyskeratosis congenita. Identifiers: Orphanet 1775, MedGen C0265965, MONDO:0015780.

Submission:

Labcorp Genetics (formerly Invitae), Labcorp
Classification: Uncertain significance for Dyskeratosis congenita. Last evaluated: 2021-07-12. Review status: criteria provided, single submitter. Criteria: Invitae Variant Classification Sherloc (09022015). Collection method: clinical testing. Allele origin: germline.
Comment: In summary, the available evidence is currently insufficient to determine the role of this variant in disease. Therefore, it has been classified as a Variant of Uncertain Significance. Algorithms developed to predict the effect of missense changes on protein structure and function (SIFT, PolyPhen-2, Align-GVGD) all suggest that this variant is likely to be tolerated. This variant has not been reported in the literature in individuals affected with DKC1-related conditions. This variant is not present in population databases (ExAC no frequency). This sequence change replaces cysteine with arginine at codon 74 of the DKC1 protein (p.Cys74Arg). The cysteine residue is weakly conserved and there is a large physicochemical difference between cysteine and arginine.

NM_001363.5(DKC1):c.220T>C (p.Cys74Arg)

Gene: DKC1 (dyskerin pseudouridine synthase 1; plus strand). Cytogenetic location: Xq28.
Variant type: single nucleotide variant.
Coding change: c.220T>C on transcript NM_001363.5 (MANE Select); coding-DNA position 220, T replaced by C.
Protein change: p.Cys74Arg; replaces cysteine 74 with arginine.
Molecular consequence: missense variant. On other transcripts: non-coding transcript variant (3).
Genome position (GRCh38, 1-based): chrX:154,765,955, T>C. VCF-style: chrX-154765955-T-C. GRCh37 (hg19) VCF-style: chrX-153994230-T-C.
Other names: c.220T>C, p.Cys74Arg (NM_001142463.3, NM_001288747.2); short protein forms C74R.
Identifiers: ClinVar variation 1444615 (VCV001444615.8), dbSNP rs2148509751, ClinGen allele CA414889411.
Genomic context (GRCh38, chrX:154,765,955, plus strand): 5'-GTTGCTTTGTAGAATTTTGATAAGCTGAATGTAAGGACAACACACTATACACCTCTTGCA[T>C]GTGGTTCAAATCCTCTGAAGAGAGAGATTGGGGACTATATCAGGTAAGTGTTGGGAGGAG-3'
Protein context (NP_001354.1, residues 64-84): VRTTHYTPLA[Cys74Arg]GSNPLKREIG